The following is an entry in ClinVar:

NM_001166114.2(PNPLA6):c.2787_2800dup (p.Arg934fs)

Gene: PNPLA6 (patatin like domain 6, lysophospholipase; plus strand). Cytogenetic location: 19p13.2.
Variant type: Duplication.
Coding change: c.2787_2800dup on transcript NM_001166114.2 (MANE Select); coding-DNA positions 2787 to 2800, 14 bases duplicated (CCTCTTTTCGCGCC).
Protein change: p.Arg934fs; shifts the reading frame from arginine 934.
Molecular consequence: frameshift variant.
Genome position (GRCh38, 1-based): chr19:7,555,045-7,555,058, CCTCTTTTCGCGCC duplicated. VCF-style (leftmost placement, unchanged base first): chr19-7555044-G-GCCTCTTTTCGCGCC. GRCh37 (hg19) VCF-style: chr19-7619930-G-GCCTCTTTTCGCGCC.
Other names: c.2817_2830dup, p.Arg944fs (NM_001166111.2); c.2592_2605dup, p.Arg869fs (NM_001166112.2); c.2673_2686dup, p.Arg896fs (NM_001166113.1, NM_006702.5); short protein forms R944fs, R869fs, R896fs, R934fs.
Identifiers: ClinVar variation 3004707 (VCV003004707.4), dbSNP rs2512552454, ClinGen allele CA2740091855.

ClinVar aggregate classification (germline): Pathogenic/Likely pathogenic. Review status: criteria provided, multiple submitters, no conflicts (2 of 4 stars). 2 submissions from 2 submitters: Pathogenic (1); Likely pathogenic (1). Last evaluated 2023-07-14.

Conditions:
Hereditary spastic paraplegia 39 (SPG39). Also called: SPASTIC PARAPLEGIA 39, AUTOSOMAL RECESSIVE; Spastic Paraplegia Type 39 (SPG39). Identifiers: Orphanet 139480, MedGen C2677586, MONDO:0012787, OMIM 612020.
PNPLA6-related disorder. Also called: PNPLA6-related disorders; PNPLA6-related condition.

Submissions (2):

Labcorp Genetics (formerly Invitae), Labcorp
Classification: Pathogenic for Hereditary spastic paraplegia 39. Last evaluated: 2023-07-14. Review status: criteria provided, single submitter. Criteria: Invitae Variant Classification Sherloc (09022015). Collection method: clinical testing. Allele origin: germline.
Comment: This sequence change creates a premature translational stop signal (p.Arg896Profs*45) in the PNPLA6 gene. It is expected to result in an absent or disrupted protein product. Loss-of-function variants in PNPLA6 are known to be pathogenic (PMID: 24355708). This variant is not present in population databases (gnomAD no frequency). This variant has not been reported in the literature in individuals affected with PNPLA6-related conditions. For these reasons, this variant has been classified as Pathogenic.

Blueprint Genetics
Classification: Likely pathogenic for PNPLA6-related disorders. Last evaluated: 2021-09-22. Review status: criteria provided, single submitter. Criteria: ACMG Guidelines, 2015. Collection method: clinical testing. Allele origin: germline. Affected: yes. Observed: 1 variant allele.

Literature cited by the submitters: PubMed 24355708 (cited by Labcorp Genetics (formerly Invitae), Labcorp).